The following is an entry in ClinVar:

ClinVar aggregate classification (germline): Benign/Likely benign. Review status: criteria provided, multiple submitters, no conflicts (2 of 4 stars). 11 submissions from 11 submitters: Benign (2); Likely benign (9). Last evaluated 2026-01-07.

Conditions:
CDH1-related diffuse gastric and lobular breast cancer syndrome. Also called: CDH1-related diffuse gastric and lobular breast cancer. Identifiers: MedGen CN311521, MONDO:0100488.
CDH1-related disorder. Also called: CDH1-related condition.
Breast and/or ovarian cancer. Identifiers: MedGen CN221562.
Hereditary cancer-predisposing syndrome. Also called: Neoplastic Syndromes, Hereditary; Tumor predisposition; Hereditary neoplastic syndrome; Hereditary Cancer Syndrome. Identifiers: Orphanet 140162, MedGen C0027672, MeSH D009386, MONDO:0015356.
Hereditary diffuse gastric adenocarcinoma (HDGC). Also called: DIFFUSE GASTRIC AND LOBULAR BREAST CANCER SYNDROME. Identifiers: Orphanet 26106, MedGen C1708349, MONDO:0007648, OMIM 137215.

Allele frequency attached by ClinVar (database versions not stated): gnomAD 0.00001; ExAC 0.00002; gnomAD exomes 0.00002 and 0.00003; TOPMed 0.00002; ESP Exome Variant Server 0.00008.
gnomAD v4.1: 18 of 1,613,862 alleles (0.0011%); highest among the groups gnomAD compares: Non-Finnish European, 0.0015%; no homozygotes.

Submissions (11):

Labcorp Genetics (formerly Invitae), Labcorp
Classification: Likely benign for Hereditary diffuse gastric adenocarcinoma. Last evaluated: 2026-01-07. Review status: criteria provided, single submitter. Criteria: Invitae Variant Classification Sherloc (09022015). Collection method: clinical testing. Allele origin: germline.

PreventionGenetics, part of Exact Sciences
Classification: Likely benign for CDH1-related condition. Last evaluated: 2025-05-20. Review status: criteria provided, single submitter. Criteria: ACMG Guidelines, 2015. Collection method: clinical testing. Allele origin: germline.
Comment: This variant is classified as likely benign based on ACMG/AMP sequence variant interpretation guidelines (Richards et al. 2015 PMID: 25741868, with internal and published modifications).

Myriad Genetics, Inc.
Classification: Benign for Hereditary diffuse gastric adenocarcinoma. Last evaluated: 2024-09-20. Review status: criteria provided, single submitter. Criteria: Myriad Autosomal Dominant, Autosomal Recessive and X-Linked Classification Criteria (2023). Collection method: clinical testing. Allele origin: unknown.
Comment: This variant is considered benign. This variant is a silent/synonymous amino acid change and it is not expected to impact splicing.

Blueprint Genetics
Classification: Likely benign. Last evaluated: 2024-05-31. Review status: criteria provided, single submitter. Criteria: ACMG Guidelines, 2015. Collection method: clinical testing. Allele origin: germline.

CHEO Genetics Diagnostic Laboratory, Children's Hospital of Eastern Ontario
Classification: Likely benign for Breast and/or ovarian cancer. Last evaluated: 2023-01-04. Review status: criteria provided, single submitter. Criteria: ACMG Guidelines, 2015. Collection method: clinical testing. Allele origin: germline.

Quest Diagnostics Nichols Institute San Juan Capistrano
Classification: Likely benign. Last evaluated: 2022-10-17. Review status: criteria provided, single submitter. Criteria: Quest Diagnostics criteria. Collection method: clinical testing. Allele origin: unknown.

Department of Pathology and Laboratory Medicine, Sinai Health System
Classification: Likely benign for CDH1-related diffuse gastric and lobular breast cancer syndrome. Last evaluated: 2022-09-12. Review status: criteria provided, single submitter. Criteria: ACMG Guidelines, 2015. Collection method: clinical testing. Allele origin: germline. Affected: yes.

Women's Health and Genetics/Laboratory Corporation of America, LabCorp
Classification: Likely benign. Last evaluated: 2019-08-15. Review status: criteria provided, single submitter. Criteria: LabCorp Variant Classification Summary - May 2015. Collection method: clinical testing. Allele origin: germline.

Color Diagnostics, LLC DBA Color Health
Classification: Likely benign for Hereditary cancer-predisposing syndrome. Last evaluated: 2018-02-12. Review status: criteria provided, single submitter. Criteria: ACMG Guidelines, 2015. Collection method: clinical testing. Allele origin: germline.

Ambry Genetics
Classification: Likely benign for Hereditary cancer-predisposing syndrome. Last evaluated: 2016-07-15. Review status: criteria provided, single submitter. Criteria: Ambry Variant Classification Scheme 2023. Collection method: clinical testing. Allele origin: germline.

GeneDx
Classification: Benign. Last evaluated: 2015-03-03. Review status: criteria provided, single submitter. Criteria: GeneDx Variant Classification Process June 2021. Collection method: clinical testing. Allele origin: germline. Affected: yes.

NM_004360.5(CDH1):c.1977G>A (p.Glu659=)

Gene: CDH1 (cadherin 1; plus strand). Cytogenetic location: 16q22.1.
Variant type: single nucleotide variant.
Coding change: c.1977G>A on transcript NM_004360.5 (MANE Select); coding-DNA position 1977, G replaced by A.
Protein change: p.Glu659=; no amino-acid change (glutamic acid 659 retained).
Molecular consequence: synonymous variant.
Genome position (GRCh38, 1-based): chr16:68,823,439, G>A. VCF-style: chr16-68823439-G-A. GRCh37 (hg19) VCF-style: chr16-68857342-G-A.
Other names: c.1794G>A, p.Glu598= (NM_001317184.2); c.429G>A, p.Glu143= (NM_001317185.2); c.12G>A, p.Glu4= (NM_001317186.2); c.1977G>A (LRG_301t1).
Identifiers: ClinVar variation 184595 (VCV000184595.28), dbSNP rs368243190, ClinGen allele CA189406.